The following is an entry in ClinVar:

ClinVar aggregate classification (germline): Uncertain significance (1 of 4 stars; one submission).

Conditions:
Fanconi anemia (FA). Also called: Fanconi's anemia. Identifiers: Orphanet 84, MedGen C0015625, MeSH D005199, MONDO:0019391.

gnomAD v4.1: 1 of 1,613,796 alleles (0.000062%); highest among the groups gnomAD compares: African/African-American, 0.0013%; no homozygotes.

Submission:

Labcorp Genetics (formerly Invitae), Labcorp
Classification: Uncertain significance for Fanconi anemia. Last evaluated: 2023-11-18. Review status: criteria provided, single submitter. Criteria: Invitae Variant Classification Sherloc (09022015). Collection method: clinical testing. Allele origin: germline.
Comment: This sequence change replaces arginine, which is basic and polar, with proline, which is neutral and non-polar, at codon 1241 of the SLX4 protein (p.Arg1241Pro). This variant is present in population databases (rs773723496, gnomAD 0.007%). This variant has not been reported in the literature in individuals affected with SLX4-related conditions. Algorithms developed to predict the effect of missense changes on protein structure and function output the following: SIFT: "Not Available"; PolyPhen-2: "Benign"; Align-GVGD: "Not Available". The proline amino acid residue is found in multiple mammalian species, which suggests that this missense change does not adversely affect protein function. In summary, the available evidence is currently insufficient to determine the role of this variant in disease. Therefore, it has been classified as a Variant of Uncertain Significance.

NM_032444.4(SLX4):c.3722G>C (p.Arg1241Pro)

Gene: SLX4 (SLX4 structure-specific endonuclease subunit; minus strand). Cytogenetic location: 16p13.3.
Variant type: single nucleotide variant.
Coding change: c.3722G>C on transcript NM_032444.4 (MANE Select); coding-DNA position 3722, G replaced by C.
Protein change: p.Arg1241Pro; replaces arginine 1241 with proline.
Molecular consequence: missense variant.
Genome position (GRCh38, 1-based): chr16:3,589,916, C>G on the plus strand (G>C on the coding strand, the complement: SLX4 is on the minus strand). VCF-style: chr16-3589916-C-G. GRCh37 (hg19) VCF-style: chr16-3639917-C-G.
Other names: short protein forms R1241P.
Identifiers: ClinVar variation 3022902 (VCV003022902.3), dbSNP rs773723496, ClinGen allele CA7865855.